The following is an entry in ClinVar:

ClinVar aggregate classification (germline): Uncertain significance (1 of 4 stars; one submission).

gnomAD v4.1: 13 of 1,612,574 alleles (0.00081%); highest among the groups gnomAD compares: Non-Finnish European, 0.0011%; no homozygotes.

Submission:

Athena Diagnostics
Classification: Uncertain significance. Last evaluated: 2025-02-05. Review status: criteria provided, single submitter. Criteria: Athena Diagnostics Criteria. Collection method: clinical testing. Allele origin: unknown.
Comment: Available data are insufficient to determine the clinical significance of the variant at this time. The frequency of this variant in the general population is uninformative in assessment of its pathogenicity. Polyphen and MutationTaster yielded discordant predictions regarding whether this amino acid change is damaging to the protein.

NM_001130987.2(DYSF):c.3745C>T (p.His1249Tyr)

Gene: DYSF (dysferlin; plus strand). Cytogenetic location: 2p13.2.
Variant type: single nucleotide variant.
Coding change: c.3745C>T on transcript NM_001130987.2 (MANE Select); coding-DNA position 3745, C replaced by T.
Protein change: p.His1249Tyr; replaces histidine 1249 with tyrosine.
Molecular consequence: missense variant.
Genome position (GRCh38, 1-based): chr2:71,598,734, C>T. VCF-style: chr2-71598734-C-T. GRCh37 (hg19) VCF-style: chr2-71825864-C-T.
Other names: c.3694C>T, p.His1232Tyr (NM_001130455.2, NM_001130983.2); c.3649C>T, p.His1217Tyr (NM_001130976.2, NM_001130977.2); c.3691C>T, p.His1231Tyr (NM_001130978.2, NM_003494.4); c.3784C>T, p.His1262Tyr (NM_001130979.2); c.3742C>T, p.His1248Tyr (NM_001130980.2, NM_001130981.2); c.3787C>T, p.His1263Tyr (NM_001130982.2); c.3652C>T, p.His1218Tyr (NM_001130984.2, NM_001130986.2); c.3745C>T, p.His1249Tyr (NM_001130985.2); short protein forms H1217Y, H1218Y, H1231Y, H1232Y, H1248Y, H1249Y, H1262Y, H1263Y.
Identifiers: ClinVar variation 4682255 (VCV004682255.1).